The following is an entry in ClinVar:

NM_000069.3(CACNA1S):c.4668+14A>G

Gene: CACNA1S (calcium voltage-gated channel subunit alpha1 S; minus strand). Cytogenetic location: 1q32.1.
Variant type: single nucleotide variant.
Coding change: c.4668+14A>G on transcript NM_000069.3 (MANE Select); 14 bases into the intron after coding-DNA position 4668, A replaced by G.
Molecular consequence: intron variant.
Genome position (GRCh38, 1-based): chr1:201,047,101, T>C on the plus strand (A>G on the coding strand, the complement: CACNA1S is on the minus strand). VCF-style: chr1-201047101-T-C. GRCh37 (hg19) VCF-style: chr1-201016229-T-C.
Identifiers: ClinVar variation 1979942 (VCV001979942.4), dbSNP rs1660496015, ClinGen allele CA1219571908.

ClinVar aggregate classification (germline): Uncertain significance (1 of 4 stars; one submission).

Conditions:
Hypokalemic periodic paralysis, type 1. Also called: HypoPP; Hypokalemic Periodic Paralysis Type 1 (AD). Identifiers: Orphanet 681, MedGen C3714580, MONDO:0042979, OMIM 170400.
Malignant hyperthermia, susceptibility to, 5 (MHS5). Also called: CACNA1S-Related Malignant Hyperthermia Susceptibility. Identifiers: Orphanet 423, MedGen C1866077, MONDO:0011163, OMIM 601887.

Allele frequency attached by ClinVar (database versions not stated): gnomAD exomes 0.00002.
gnomAD v4.1: 12 of 1,614,194 alleles (0.00074%); highest among the groups gnomAD compares: East Asian, 0.027%; no homozygotes.

Submission:

Labcorp Genetics (formerly Invitae), Labcorp
Classification: Uncertain significance for Hypokalemic periodic paralysis, type 1; Malignant hyperthermia, susceptibility to, 5. Last evaluated: 2022-10-04. Review status: criteria provided, single submitter. Criteria: Invitae Variant Classification Sherloc (09022015). Collection method: clinical testing. Allele origin: germline.
Comment: In summary, the available evidence is currently insufficient to determine the role of this variant in disease. Therefore, it has been classified as a Variant of Uncertain Significance. Algorithms developed to predict the effect of sequence changes on RNA splicing suggest that this variant may disrupt the consensus splice site. This variant has not been reported in the literature in individuals affected with CACNA1S-related conditions. This variant is not present in population databases (gnomAD no frequency). This sequence change falls in intron 38 of the CACNA1S gene. It does not directly change the encoded amino acid sequence of the CACNA1S protein.